The following is an entry in ClinVar:

ClinVar aggregate classification (germline): Pathogenic/Likely pathogenic. Review status: criteria provided, multiple submitters, no conflicts (2 of 4 stars). 2 submissions from 2 submitters: Pathogenic (1); Likely pathogenic (1). Last evaluated 2024-10-08.

Conditions:
MYO6-related disorder. Also called: MYO6-related disorders; MYO6-related condition.
Autosomal dominant nonsyndromic hearing loss 22. Also called: DFNA 22; Autosomal dominant nonsyndromic deafness 22. Identifiers: Orphanet 228012, MedGen C2931767, MONDO:0011660, OMIM 606346.

gnomAD v4.1: 5 of 1,612,464 alleles (0.00031%); highest among the groups gnomAD compares: South Asian, 0.0022%; no homozygotes.

Submissions (2):

Victorian Clinical Genetics Services, Murdoch Childrens Research Institute
Classification: Pathogenic for Autosomal dominant nonsyndromic hearing loss 22. Last evaluated: 2024-10-08. Review status: criteria provided, single submitter. Criteria: ACMG Guidelines, 2015. Collection method: clinical testing. Allele origin: germline. Inheritance: Autosomal dominant inheritance. Affected: yes.
Comment: Based on the classification scheme VCGS_Germline_v1.3.4, this variant is classified as Pathogenic. Following criteria are met: 0102 - Loss of function is a known mechanism of disease in this gene and is associated with deafness 22 with or without hypertrophic cardiomyopathy (MIM#606346) and deafness 37 (MIM#607821) (DECIPHER; PMID: 30582396). Dominant-negative has also been suggested as mechanisms of disease associated with missense variants in this gene (PMID: 30582396). (I) 0108 - This gene is associated with both recessive and dominant disease (OMIM). (I) 0201 - Variant is predicted to cause nonsense-mediated decay (NMD) and loss of protein (premature termination codon is located at least 54 nucleotides upstream of the final exon-exon junction). (SP) 0251 - This variant is heterozygous. (I) 0304 - Variant is present in gnomAD <0.01 (v2: 1 heterozygote, 0 homozygotes). (SP) 0701 - Other NMD-predicted variants comparable to the one identified in this case have very strong previous evidence for pathogenicity. There are at least ten NMD-predicted variants that have been classified as likely pathogenic or pathogenic (DECIPHER). (SP) 0807 - This variant has no previous evidence of pathogenicity. (I) 0905 - No published segregation evidence has been identified for this variant. (I) 1007 - No published functional evidence has been identified for this variant. (I) Legend: (SP) - Supporting pathogenic, (I) - Information, (SB) - Supporting benign

Blueprint Genetics
Classification: Likely pathogenic for MYO6-related disorders. Last evaluated: 2023-04-12. Review status: criteria provided, single submitter. Criteria: ACMG Guidelines, 2015. Collection method: clinical testing. Allele origin: germline. Affected: yes. Observed: 1 variant allele.

Literature cited by the submitters: PubMed 30582396 (cited by Victorian Clinical Genetics Services, Murdoch Childrens Research Institute).

NM_004999.4(MYO6):c.406C>T (p.Arg136Ter)

Gene: MYO6 (myosin VI; plus strand). Cytogenetic location: 6q14.1.
Variant type: single nucleotide variant.
Coding change: c.406C>T on transcript NM_004999.4 (MANE Select); coding-DNA position 406, C replaced by T.
Protein change: p.Arg136Ter; replaces arginine 136 with a stop codon.
Molecular consequence: nonsense. On other transcripts: non-coding transcript variant (2).
Genome position (GRCh38, 1-based): chr6:75,832,856, C>T. VCF-style: chr6-75832856-C-T. GRCh37 (hg19) VCF-style: chr6-76542573-C-T.
Other names: c.406C>T, p.Arg136Ter (NM_001300899.2, NM_001368136.1, NM_001368137.1 and 5 more transcripts); short protein forms R136*.
Identifiers: ClinVar variation 3377135 (VCV003377135.2).